The following is an entry in ClinVar:

ClinVar aggregate classification (germline): Conflicting classifications of pathogenicity. Review status: criteria provided, conflicting classifications (1 of 4 stars). 6 submissions from 6 submitters: Uncertain significance (1); Likely benign (4). 1 of the submissions does not count toward it. Last evaluated 2026-01-24.

Conditions:
Dyskeratosis congenita, autosomal recessive 5 (DKCB5). Identifiers: MedGen C3554656, MONDO:0014076, OMIM 615190.
Pulmonary fibrosis and/or bone marrow failure, Telomere-related, 3. Also called: PULMONARY FIBROSIS AND/OR BONE MARROW FAILURE SYNDROME, TELOMERE-RELATED, 3. Identifiers: Orphanet 2032, MedGen C4225346, MONDO:0014613, OMIM 616373.
Dyskeratosis congenita. Identifiers: Orphanet 1775, MedGen C0265965, MONDO:0015780.

Allele frequency attached by ClinVar (database versions not stated): ESP Exome Variant Server 0.00008; gnomAD 0.00021 and 0.00024; ExAC 0.00035; TOPMed 0.00036; gnomAD exomes 0.00042; 1000 Genomes Project 30x 0.00047; 1000 Genomes Project 0.00060.
gnomAD v4.1: 435 of 1,612,304 alleles (0.027%); highest among the groups gnomAD compares: East Asian, 0.085%; no homozygotes.

Submissions (6):

Labcorp Genetics (formerly Invitae), Labcorp
Classification: Likely benign for Dyskeratosis congenita, autosomal recessive 5; Pulmonary fibrosis and/or bone marrow failure, Telomere-related, 3. Last evaluated: 2026-01-24. Review status: criteria provided, single submitter. Criteria: Invitae Variant Classification Sherloc (09022015). Collection method: clinical testing. Allele origin: germline.

Blueprint Genetics
Classification: Likely benign. Last evaluated: 2024-07-31. Review status: criteria provided, single submitter. Criteria: ACMG Guidelines, 2015. Collection method: clinical testing. Allele origin: germline.

Mayo Clinic Laboratories, Mayo Clinic
Classification: Likely benign. Last evaluated: 2024-07-01. Review status: criteria provided, single submitter. Criteria: ACMG Guidelines, 2015. Collection method: clinical testing. Allele origin: germline. Observed: 3 variant alleles.
Comment: BS1, BP4

GeneDx
Classification: Uncertain significance. Last evaluated: 2024-01-31. Review status: criteria provided, single submitter. Criteria: GeneDx Variant Classification Process June 2021. Collection method: clinical testing. Allele origin: germline. Affected: yes.
Comment: In silico analysis supports that this missense variant does not alter protein structure/function; Not observed in any cases, but was observed in unaffected controls from a melanoma study (PMID: 29641532); This variant is associated with the following publications: (PMID: 29641532)

Sema4
Classification: Likely benign for Dyskeratosis congenita. Last evaluated: 2021-02-07. Review status: criteria provided, single submitter. Criteria: Sema4 Curation Guidelines. Collection method: curation. Allele origin: germline.

Genetic Services Laboratory, University of Chicago
Classification: Uncertain significance. Last evaluated: 2022-09-12. Review status: no assertion criteria provided. Collection method: clinical testing. Allele origin: germline. Affected: no. Not counted in ClinVar's aggregate classification.
Comment: DNA sequence analysis of the RTEL1 gene demonstrated a sequence change, c.2750C>T, in exon 29 that results in an amino acid change, p.Thr917Met. This sequence change does not appear to have been previously described in patients with RTEL1-related disorders and has been described in the gnomAD database with a frequency of 0.3% in the Ashkenazi Jewish sub-population (dbSNP rs141717966). The p.Thr917Met change affects a poorly conserved amino acid residue located in a domain of the RTEL1 protein that is not known to be functional. The p.Thr917Met substitution appears to be benign using several in-silico pathogenicity prediction tools (SIFT, PolyPhen2, Align GVGD, REVEL). Due to the lack of functional studies, the clinical significance of the p.Thr917Met change remains unknown at this time.

NM_001283009.2(RTEL1):c.2678C>T (p.Thr893Met)

Genes: RTEL1 (regulator of telomere elongation helicase 1; plus strand), RTEL1-TNFRSF6B (RTEL1-TNFRSF6B readthrough (NMD candidate); plus strand). Cytogenetic location: 20q13.33.
Variant type: single nucleotide variant.
Coding change: c.2678C>T on transcript NM_001283009.2 (MANE Select); coding-DNA position 2678, C replaced by T.
Protein change: p.Thr893Met; replaces threonine 893 with methionine.
Molecular consequence: missense variant. On other transcripts: non-coding transcript variant (1).
Genome position (GRCh38, 1-based): chr20:63,692,830, C>T. VCF-style: chr20-63692830-C-T. GRCh37 (hg19) VCF-style: chr20-62324183-C-T.
Other names: p.Thr917Met; c.2009C>T, p.Thr670Met (NM_001283010.1); c.2678C>T, p.Thr893Met (NM_016434.4); c.2750C>T, p.Thr917Met (NM_032957.5); short protein forms T893M, T917M, T670M.
Identifiers: ClinVar variation 540965 (VCV000540965.18), dbSNP rs141717966, ClinGen allele CA9965497.